The following is an entry in ClinVar:

NM_005982.4(SIX1):c.139G>C (p.Glu47Gln)

Gene: SIX1 (SIX homeobox 1; minus strand). Cytogenetic location: 14q23.1.
Variant type: single nucleotide variant.
Coding change: c.139G>C on transcript NM_005982.4 (MANE Select); coding-DNA position 139, G replaced by C.
Protein change: p.Glu47Gln; replaces glutamic acid 47 with glutamine.
Molecular consequence: missense variant.
Genome position (GRCh38, 1-based): chr14:60,649,051, C>G on the plus strand (G>C on the coding strand, the complement: SIX1 is on the minus strand). VCF-style: chr14-60649051-C-G. GRCh37 (hg19) VCF-style: chr14-61115769-C-G.
Other names: c.139G>C (NM_005982.3); c.139G>C, p.Glu47Gln (NM_001425142.1); short protein forms E47Q.
Identifiers: ClinVar variation 2937573 (VCV002937573.4), dbSNP rs1223102250, ClinGen allele CA389910959.
Genomic context (GRCh38, chr14:60,649,051, plus strand): 5'-AGAGCTCACGGAAGTTGCCGCGGTGGAAGGCGACCACCGCCTTGGCCTTGAGTACGCTCT[C>G]GTTCTTGTGCAGGTGGTCGCAGGCGGGCAGTGACCACAGGAACCTGCCCAGGCGCTCCAG-3'
Protein context (NP_005973.1, residues 37-57): LPACDHLHKN[Glu47Gln]SVLKAKAVVA

ClinVar aggregate classification (germline): Uncertain significance. Review status: criteria provided, multiple submitters, no conflicts (2 of 4 stars). 2 submissions from 2 submitters: Uncertain significance (2). Last evaluated 2025-11-26.

Conditions:
Inborn genetic diseases. Identifiers: MedGen C0950123, MeSH D030342.
Branchiootic syndrome 3 (BOS3). Also called: BO SYNDROME 3. Identifiers: MedGen C1842124, MONDO:0012025, OMIM 608389.
Autosomal dominant nonsyndromic hearing loss 23. Identifiers: Orphanet 90635, MedGen C1854594, MONDO:0011519, OMIM 605192.

Submissions (2):

Ambry Genetics
Classification: Uncertain significance for Inborn genetic diseases. Last evaluated: 2025-11-26. Review status: criteria provided, single submitter. Criteria: Ambry Variant Classification Scheme 2023. Collection method: clinical testing. Allele origin: germline.

Labcorp Genetics (formerly Invitae), Labcorp
Classification: Uncertain significance for Autosomal dominant nonsyndromic hearing loss 23; Branchiootic syndrome 3. Last evaluated: 2023-06-17. Review status: criteria provided, single submitter. Criteria: Invitae Variant Classification Sherloc (09022015). Collection method: clinical testing. Allele origin: germline.
Comment: This sequence change replaces glutamic acid, which is acidic and polar, with glutamine, which is neutral and polar, at codon 47 of the SIX1 protein (p.Glu47Gln). In summary, the available evidence is currently insufficient to determine the role of this variant in disease. Therefore, it has been classified as a Variant of Uncertain Significance. An algorithm developed to predict the effect of missense changes on protein structure and function (PolyPhen-2) suggests that this variant is likely to be disruptive. This variant has not been reported in the literature in individuals affected with SIX1-related conditions. This variant is not present in population databases (gnomAD no frequency).